The following is an entry in ClinVar:

ClinVar aggregate classification (germline): Uncertain significance (1 of 4 stars; one submission).

Allele frequency attached by ClinVar (database versions not stated): gnomAD exomes below 0.00001.
gnomAD v4.1: 1 of 1,549,882 alleles (0.000065%); highest among the groups gnomAD compares: Non-Finnish European, 0.000087%; no homozygotes.

Submission:

Labcorp Genetics (formerly Invitae), Labcorp
Classification: Uncertain significance. Last evaluated: 2021-04-17. Review status: criteria provided, single submitter. Criteria: Invitae Variant Classification Sherloc (09022015). Collection method: clinical testing. Allele origin: germline.
Comment: In summary, the available evidence is currently insufficient to determine the role of this variant in disease. Therefore, it has been classified as a Variant of Uncertain Significance. Algorithms developed to predict the effect of missense changes on protein structure and function (SIFT, PolyPhen-2, Align-GVGD) all suggest that this variant is likely to be disruptive, but these predictions have not been confirmed by published functional studies and their clinical significance is uncertain. This variant has not been reported in the literature in individuals with PDX1-related conditions. The frequency data for this variant in the population databases is considered unreliable, as metrics indicate insufficient coverage at this position in the ExAC database. This sequence change replaces aspartic acid with valine at codon 16 of the PDX1 protein (p.Asp16Val). The aspartic acid residue is highly conserved and there is a large physicochemical difference between aspartic acid and valine.

NM_000209.4(PDX1):c.47A>T (p.Asp16Val)

Gene: PDX1 (pancreatic and duodenal homeobox 1; plus strand). Cytogenetic location: 13q12.2.
Variant type: single nucleotide variant.
Coding change: c.47A>T on transcript NM_000209.4 (MANE Select); coding-DNA position 47, A replaced by T.
Protein change: p.Asp16Val; replaces aspartic acid 16 with valine.
Molecular consequence: missense variant.
Genome position (GRCh38, 1-based): chr13:27,920,185, A>T. VCF-style: chr13-27920185-A-T. GRCh37 (hg19) VCF-style: chr13-28494322-A-T.
Other names: short protein forms D16V.
Identifiers: ClinVar variation 1483616 (VCV001483616.8), dbSNP rs1333313782, ClinGen allele CA387643543.